The following is an entry in ClinVar:

NM_000558.5(HBA1):c.273G>C (p.Lys91Asn)

Genes: HBA1 (hemoglobin subunit alpha 1; plus strand), LOC106804613 (hemoglobin subunit alpha 1 recombination region; plus strand). Cytogenetic location: 16p13.3.
Variant type: single nucleotide variant.
Coding change: c.273G>C on transcript NM_000558.5 (MANE Select); coding-DNA position 273, G replaced by C.
Protein change: p.Lys91Asn; replaces lysine 91 with asparagine.
Molecular consequence: missense variant.
Genome position (GRCh38, 1-based): chr16:177,106, G>C. VCF-style: chr16-177106-G-C. GRCh37 (hg19) VCF-style: chr16-227105-G-C.
Other names: K90N; short protein forms K91N.
Identifiers: ClinVar variation 15707 (VCV000015707.17), dbSNP rs33914470, ClinGen allele CA125688.

ClinVar aggregate classification (germline): Likely benign. Review status: criteria provided, single submitter (1 of 4 stars). 4 submissions from 2 submitters: Likely benign (1). 3 of the submissions do not count toward it. Last evaluated 2024-10-24.

Conditions:
HEMOGLOBIN BROUSSAIS.
HEMOGLOBIN J (BROUSSAIS).
HEMOGLOBIN TAGAWA I.

Allele frequency attached by ClinVar (database versions not stated): ExAC below 0.00001; gnomAD exomes 0.00003.
gnomAD v4.1: 39 of 1,556,468 alleles (0.0025%); highest among the groups gnomAD compares: Non-Finnish European, 0.0032%; no homozygotes.

Submissions (4):

ARUP Laboratories, Molecular Genetics and Genomics, ARUP Laboratories
Classification: Likely benign. Last evaluated: 2024-10-24. Review status: criteria provided, single submitter. Criteria: ARUP Molecular Germline Variant Investigation Process 2024. Collection method: clinical testing. Allele origin: germline.
Comment: The Hb J-Broussais variant (HBA1: c.273G>C; p.Lys91Asn, also known as Lys90Asn when numbered from the mature protein; rs33914470, HbVar ID: 142) is reported in the literature in multiple individuals without clinical symptoms and with normal hematology (Molchanova 1994, Turpeinen 1995, HbVar and references therein). This variant is reported in ClinVar (Variation ID: 15707), but is absent from the Genome Aggregation Database, indicating it is not a common polymorphism. The lysine at codon 91 is moderately conserved, and computational analyses are uncertain whether this variant is neutral or deleterious (REVEL: 0.559). However, functional studies demonstrate normal stability and oxygen affinity (Molchanova 1994, Turpeinen 1995, HbVar and references therein). Based on available information, this variant is considered to be likely benign. References: Link to HbVar: Molchanova TP et al. The differences in quantities of alpha 2- and alpha 1-globin gene variants in heterozygotes. Br J Haematol. 1994 Oct;88(2):300-6. PMID: 7803274 Turpeinen U et al. Two alpha-chain hemoglobin variants, Hb Broussais and Hb Cemenelum, characterized by cation-exchange HPLC, isoelectric focusing, and peptide sequencing. Clin Chem. 1995 Apr;41(4):532-6. PMID: 7720241

OMIM
Classification: other for HEMOGLOBIN BROUSSAIS. Last evaluated: 1978-10-01. Review status: no assertion criteria provided. Collection method: literature only. Allele origin: germline. Not counted in ClinVar's aggregate classification.

OMIM
Classification: other for HEMOGLOBIN J (BROUSSAIS). Last evaluated: 1978-10-01. Review status: no assertion criteria provided. Collection method: literature only. Allele origin: germline. Not counted in ClinVar's aggregate classification.

OMIM
Classification: other for HEMOGLOBIN TAGAWA I. Last evaluated: 1978-10-01. Review status: no assertion criteria provided. Collection method: literature only. Allele origin: germline. Not counted in ClinVar's aggregate classification.

Literature cited by the submitters: PubMed 943846 (cited by OMIM); PubMed 5750181 (cited by OMIM); PubMed 5452727 (cited by OMIM); PubMed 740406 (cited by OMIM).